The following is an entry in ClinVar:

ClinVar aggregate classification (germline): Uncertain significance (0 of 4 stars; one submission).

Conditions:
KIF12-related disorder. Also called: KIF12-related condition.

Submission:

PreventionGenetics, part of Exact Sciences
Classification: Uncertain significance for KIF12-related condition. Last evaluated: 2024-08-23. Review status: no assertion criteria provided. Collection method: clinical testing. Allele origin: germline.
Comment: The KIF12 c.1324A>T variant is predicted to result in the amino acid substitution p.Met442Leu. To our knowledge, this variant has not been reported in the literature or in a large population database, indicating this variant is rare. At this time, the clinical significance of this variant is uncertain due to the absence of conclusive functional and genetic evidence.

NM_001388308.1(KIF12):c.1738A>T (p.Met580Leu)

Gene: KIF12 (kinesin family member 12; minus strand). Cytogenetic location: 9q32.
Variant type: single nucleotide variant.
Coding change: c.1738A>T on transcript NM_001388308.1 (MANE Select); coding-DNA position 1738, A replaced by T.
Protein change: p.Met580Leu; replaces methionine 580 with leucine.
Molecular consequence: missense variant.
Genome position (GRCh38, 1-based): chr9:114,092,411, T>A on the plus strand (A>T on the coding strand, the complement: KIF12 is on the minus strand). VCF-style: chr9-114092411-T-A. GRCh37 (hg19) VCF-style: chr9-116854691-T-A.
Other names: c.1324A>T, p.Met442Leu (NM_138424.2); short protein forms M442L, M580L.
Identifiers: ClinVar variation 3346499 (VCV003346499.1).
Genomic context (GRCh38, chr9:114,092,411, plus strand): 5'-TCTTCGGGGGCCTCACAGGCAGGGGAGGTGCAGAAGGTACCACCTCCTCCTCCGTCAACA[T>A]CTCTGCCAGGACTCGGGTCTGAGTCCAGTCACTGTGACTCCTGGGCCAGGGTGAGTTGGG-3'
Protein context (NP_001375237.1, residues 570-590): DWTQTRVLAE[Met580Leu]LTEEEVVPSA